The following is an entry in ClinVar:

NM_000553.6(WRN):c.2654A>G (p.Asn885Ser)

Gene: WRN (WRN RecQ like helicase; plus strand). Cytogenetic location: 8p12.
Variant type: single nucleotide variant.
Coding change: c.2654A>G on transcript NM_000553.6 (MANE Select); coding-DNA position 2654, A replaced by G.
Protein change: p.Asn885Ser; replaces asparagine 885 with serine.
Molecular consequence: missense variant.
Genome position (GRCh38, 1-based): chr8:31,124,545, A>G. VCF-style: chr8-31124545-A-G. GRCh37 (hg19) VCF-style: chr8-30982061-A-G.
Other names: short protein forms N885S.
Identifiers: ClinVar variation 850601 (VCV000850601.5), dbSNP rs1166678420, ClinGen allele CA370916715.

ClinVar aggregate classification (germline): Uncertain significance (1 of 4 stars; one submission).

Conditions:
Werner syndrome (WRN). Identifiers: Orphanet 902, MedGen C0043119, MONDO:0010196, OMIM 277700.

Allele frequency attached by ClinVar (database versions not stated): gnomAD exomes below 0.00001.
gnomAD v4.1: 2 of 1,612,848 alleles (0.00012%); highest among the groups gnomAD compares: South Asian, 0.0011%; no homozygotes.

Submission:

Labcorp Genetics (formerly Invitae), Labcorp
Classification: Uncertain significance for Werner syndrome. Last evaluated: 2023-03-13. Review status: criteria provided, single submitter. Criteria: Invitae Variant Classification Sherloc (09022015). Collection method: clinical testing. Allele origin: germline.
Comment: This variant has not been reported in the literature in individuals affected with WRN-related conditions. This variant is present in population databases (no rsID available, gnomAD 0.003%). This sequence change replaces asparagine, which is neutral and polar, with serine, which is neutral and polar, at codon 885 of the WRN protein (p.Asn885Ser). ClinVar contains an entry for this variant (Variation ID: 850601). In summary, the available evidence is currently insufficient to determine the role of this variant in disease. Therefore, it has been classified as a Variant of Uncertain Significance. Algorithms developed to predict the effect of sequence changes on RNA splicing suggest that this variant may disrupt the consensus splice site. Algorithms developed to predict the effect of missense changes on protein structure and function output the following: SIFT: "Not Available"; PolyPhen-2: "Benign"; Align-GVGD: "Not Available". The serine amino acid residue is found in multiple mammalian species, which suggests that this missense change does not adversely affect protein function.